The following is an entry in ClinVar:

NM_001267550.2(TTN):c.82692G>A (p.Ala27564=)

Genes: TTN-AS1 (TTN antisense RNA 1; plus strand), TTN (titin; minus strand). Cytogenetic location: 2q31.2.
Variant type: single nucleotide variant.
Coding change: c.82692G>A on transcript NM_001267550.2 (MANE Select); coding-DNA position 82692, G replaced by A.
Protein change: p.Ala27564=; no amino-acid change (alanine 27564 retained).
Molecular consequence: synonymous variant.
Genome position (GRCh38, 1-based): chr2:178,563,440, C>T on the plus strand (G>A on the coding strand, the complement: TTN is on the minus strand). VCF-style: chr2-178563440-C-T. GRCh37 (hg19) VCF-style: chr2-179428167-C-T.
Other names: c.77769G>A, p.Ala25923= (NM_001256850.1); c.74988G>A, p.Ala24996= (NM_133378.4); c.55497G>A, p.Ala18499= (NM_003319.4); c.55872G>A, p.Ala18624= (NM_133432.3); c.56073G>A, p.Ala18691= (NM_133437.4).
Identifiers: ClinVar variation 228152 (VCV000228152.37), dbSNP rs557628408, ClinGen allele CA1989028.
Genomic context (GRCh38, chr2:178,563,440, plus strand): 5'-TCTGGAAGTGTCCGTCACTTTTGGATTGCTTGGGGGACCTGGTGGATACAAGGCATCACA[C>T]GCACGGTAGAAAACAGATGGCTCACTAGGTTCTCCCACACCAGCTGCATTTTCAGCAGCA-3'
Protein context (NP_001254479.2, residues 27554-27574): EPSEPSVFYR[Ala27564=]CDALYPPGPP

ClinVar aggregate classification (germline): Benign/Likely benign. Review status: criteria provided, multiple submitters, no conflicts (2 of 4 stars). 16 submissions from 13 submitters: Benign (6); Likely benign (4). 6 of the submissions do not count toward it. Last evaluated 2026-01-19.

Conditions:
Hypertrophic cardiomyopathy 9. Also called: Familial hypertrophic cardiomyopathy 9. Identifiers: MedGen C1861065, MONDO:0013412, OMIM 613765.
Early-onset myopathy with fatal cardiomyopathy (CMYO5). Also called: CONGENITAL MYOPATHY 5 WITH CARDIOMYOPATHY; Salih Myopathy. Identifiers: Orphanet 289377, MedGen C2673677, MONDO:0012714, OMIM 611705. Disease mechanism: loss of function.
Autosomal recessive limb-girdle muscular dystrophy type 2J (LGMDR10). Also called: Limb-girdle muscular dystrophy, type 2J; MUSCULAR DYSTROPHY, LIMB-GIRDLE, AUTOSOMAL RECESSIVE 10. Identifiers: Orphanet 140922, MedGen C1837342, MONDO:0012127, OMIM 608807.
Dilated cardiomyopathy 1G (CMD1G). Identifiers: Orphanet 154, MedGen C1858763, MONDO:0011400, OMIM 604145.
Myopathy, myofibrillar, 9, with early respiratory failure (MFM9). Also called: Hereditary myopathy with early respiratory failure; EDSTROM MYOPATHY; Myopathy, distal, with early respiratory failure, autosomal dominant; MYOPATHY, PROXIMAL, WITH EARLY RESPIRATORY MUSCLE INVOLVEMENT. Identifiers: Orphanet 178464, Orphanet 34521, MedGen C1863599, MONDO:0011362, OMIM 603689.
Tibial muscular dystrophy (TMD). Also called: Udd Distal Myopathy – Tibial Muscular Dystrophy; Tibial muscular dystrophy, tardive; UDD MYOPATHY. Identifiers: Orphanet 609, MedGen C1838244, MONDO:0010870, OMIM 600334.
Cardiovascular phenotype. Identifiers: MedGen CN230736.
TTN-related disorder. Also called: TTN-related disorders; TTN-related condition; TTN-related disease.

Allele frequency attached by ClinVar (database versions not stated): TOPMed 0.00003; gnomAD 0.00004 and 0.00009; gnomAD exomes 0.00035; ExAC 0.00040; 1000 Genomes Project 0.00060; 1000 Genomes Project 30x 0.00125.
gnomAD v4.1: 276 of 1,613,600 alleles (0.017%); highest among the groups gnomAD compares: South Asian, 0.23%; 2 homozygotes.

Submissions (16):

Labcorp Genetics (formerly Invitae), Labcorp
Classification: Benign for Dilated cardiomyopathy 1G; Autosomal recessive limb-girdle muscular dystrophy type 2J. Last evaluated: 2026-01-19. Review status: criteria provided, single submitter. Criteria: Invitae Variant Classification Sherloc (09022015). Collection method: clinical testing. Allele origin: germline.

Blueprint Genetics
Classification: Likely benign. Last evaluated: 2024-07-05. Review status: criteria provided, single submitter. Criteria: ACMG Guidelines, 2015. Collection method: clinical testing. Allele origin: germline.

Fulgent Genetics
Classification: Benign for Tibial muscular dystrophy; Myopathy, myofibrillar, 9, with early respiratory failure; Dilated cardiomyopathy 1G; Autosomal recessive limb-girdle muscular dystrophy type 2J; Early-onset myopathy with fatal cardiomyopathy; Hypertrophic cardiomyopathy 9. Last evaluated: 2021-10-17. Review status: criteria provided, single submitter. Criteria: ACMG Guidelines, 2015. Collection method: clinical testing. Allele origin: unknown.

Genome-Nilou Lab
Classification: Benign for Autosomal recessive limb-girdle muscular dystrophy type 2J. Last evaluated: 2021-09-10. Review status: criteria provided, single submitter. Criteria: ACMG Guidelines, 2015. Collection method: clinical testing. Allele origin: germline. Affected: no.

Genome-Nilou Lab
Classification: Benign for Myopathy, myofibrillar, 9, with early respiratory failure. Last evaluated: 2021-09-10. Review status: criteria provided, single submitter. Criteria: ACMG Guidelines, 2015. Collection method: clinical testing. Allele origin: germline. Affected: no.

Genome-Nilou Lab
Classification: Benign for Early-onset myopathy with fatal cardiomyopathy. Last evaluated: 2021-09-10. Review status: criteria provided, single submitter. Criteria: ACMG Guidelines, 2015. Collection method: clinical testing. Allele origin: germline. Affected: no.

Genome-Nilou Lab
Classification: Benign for Tibial muscular dystrophy. Last evaluated: 2021-09-10. Review status: criteria provided, single submitter. Criteria: ACMG Guidelines, 2015. Collection method: clinical testing. Allele origin: germline. Affected: no.

GeneDx
Classification: Likely benign. Last evaluated: 2021-02-04. Review status: criteria provided, single submitter. Criteria: GeneDx Variant Classification Process June 2021. Collection method: clinical testing. Allele origin: germline. Affected: yes.

Ambry Genetics
Classification: Likely benign for Cardiovascular phenotype. Last evaluated: 2019-12-30. Review status: criteria provided, single submitter. Criteria: Ambry Variant Classification Scheme 2023. Collection method: clinical testing. Allele origin: germline.

Laboratory for Molecular Medicine, Mass General Brigham Personalized Medicine
Classification: Likely benign. Last evaluated: 2015-06-25. Review status: criteria provided, single submitter. Criteria: LMM Criteria. Collection method: clinical testing. Allele origin: germline. Observed: 1 variant allele.
Comment: p.Ala24996Ala in exon 275 of TTN: This variant is not expected to have clinical significance because it does not alter an amino acid residue and is not located within the splice consensus sequence. It has been identified in 0.26% (43/16512) of South Asian chromosomes by the Exome Aggregation Consortium (ExAC; dbSNP rs557628408).

PreventionGenetics, part of Exact Sciences
Classification: Likely benign for TTN-related condition. Last evaluated: 2020-03-02. Review status: no assertion criteria provided. Collection method: clinical testing. Allele origin: germline. Not counted in ClinVar's aggregate classification.
Comment: This variant is classified as likely benign based on ACMG/AMP sequence variant interpretation guidelines (Richards et al. 2015 PMID: 25741868, with internal and published modifications).

Clinical Genetics DNA and cytogenetics Diagnostics Lab, Erasmus MC, Erasmus Medical Center
Classification: Likely benign. Review status: no assertion criteria provided. Collection method: clinical testing. Allele origin: germline. Affected: yes. Study: VKGL Data-share Consensus. Not counted in ClinVar's aggregate classification.

Clinical Genetics, Academic Medical Center
Classification: Benign. Review status: no assertion criteria provided. Collection method: clinical testing. Allele origin: germline. Affected: yes. Study: VKGL Data-share Consensus. Not counted in ClinVar's aggregate classification.

Diagnostic Laboratory, Department of Genetics, University Medical Center Groningen
Classification: Likely benign. Review status: no assertion criteria provided. Collection method: clinical testing. Allele origin: germline. Affected: yes. Study: VKGL Data-share Consensus. Not counted in ClinVar's aggregate classification.

Genome Diagnostics Laboratory, University Medical Center Utrecht
Classification: Likely benign. Review status: no assertion criteria provided. Collection method: clinical testing. Allele origin: germline. Affected: yes. Study: VKGL Data-share Consensus. Not counted in ClinVar's aggregate classification.

Joint Genome Diagnostic Labs from Nijmegen and Maastricht, Radboudumc and MUMC+
Classification: Benign. Review status: no assertion criteria provided. Collection method: clinical testing. Allele origin: germline. Affected: yes. Study: VKGL Data-share Consensus. Not counted in ClinVar's aggregate classification.